The following is an entry in ClinVar:

ClinVar aggregate classification (germline): Uncertain significance. Review status: criteria provided, multiple submitters, no conflicts (2 of 4 stars). 3 submissions from 3 submitters: Uncertain significance (3). Last evaluated 2024-12-26.

Allele frequency attached by ClinVar (database versions not stated): gnomAD exomes below 0.00001 and 0.00004; TOPMed 0.00001.

Submissions (3):

Labcorp Genetics (formerly Invitae), Labcorp
Classification: Uncertain significance. Last evaluated: 2024-12-26. Review status: criteria provided, single submitter. Criteria: Invitae Variant Classification Sherloc (09022015). Collection method: clinical testing. Allele origin: germline.
Comment: This sequence change replaces threonine, which is neutral and polar, with alanine, which is neutral and non-polar, at codon 1536 of the RIMS1 protein (p.Thr1536Ala). This variant is present in population databases (rs794727553, gnomAD 0.0009%). This variant has not been reported in the literature in individuals affected with RIMS1-related conditions. ClinVar contains an entry for this variant (Variation ID: 196703). An algorithm developed to predict the effect of missense changes on protein structure and function (PolyPhen-2) suggests that this variant is likely to be tolerated. In summary, the available evidence is currently insufficient to determine the role of this variant in disease. Therefore, it has been classified as a Variant of Uncertain Significance.

Blueprint Genetics
Classification: Uncertain significance. Last evaluated: 2023-10-16. Review status: criteria provided, single submitter. Criteria: ACMG Guidelines, 2015. Collection method: clinical testing. Allele origin: germline.

Eurofins Ntd Llc (ga)
Classification: Uncertain significance. Last evaluated: 2015-04-28. Review status: criteria provided, single submitter. Criteria: EGL Classification Definitions 2015. Collection method: clinical testing. Allele origin: germline. Observed: 1 variant allele, 1 heterozygote.

NM_014989.7(RIMS1):c.4606A>G (p.Thr1536Ala)

Gene: RIMS1 (regulating synaptic membrane exocytosis 1; plus strand). Cytogenetic location: 6q13.
Variant type: single nucleotide variant.
Coding change: c.4606A>G on transcript NM_014989.7 (MANE Select); coding-DNA position 4606, A replaced by G.
Protein change: p.Thr1536Ala; replaces threonine 1536 with alanine.
Molecular consequence: missense variant.
Genome position (GRCh38, 1-based): chr6:72,392,798, A>G. VCF-style: chr6-72392798-A-G. GRCh37 (hg19) VCF-style: chr6-73102500-A-G.
Other names: c.2566A>G, p.Thr856Ala (NM_001168407.2); c.1981A>G, p.Thr661Ala (NM_001168408.2, NM_001350430.2); c.1810A>G, p.Thr604Ala (NM_001168409.2); c.2008A>G, p.Thr670Ala (NM_001168410.2); c.187A>G, p.Thr63Ala (NM_001168411.2); c.2527A>G, p.Thr843Ala (NM_001350414.2); c.2623A>G, p.Thr875Ala (NM_001350415.2); c.2572A>G, p.Thr858Ala (NM_001350416.2); and 54 more; short protein forms T1536A, T580A, T645A, T661A, T670A, T746A, T781A, T782A.
Identifiers: ClinVar variation 196703 (VCV000196703.13), dbSNP rs794727553, ClinGen allele CA243775.